The following is an entry in ClinVar:

ClinVar aggregate classification (germline): Uncertain significance. Review status: criteria provided, multiple submitters, no conflicts (2 of 4 stars). 2 submissions from 2 submitters: Uncertain significance (2). Last evaluated 2025-07-29.

Conditions:
Brugada syndrome. Also called: Sudden unexpected nocturnal death syndrome; Sudden unexplained nocturnal death syndrome; Sudden Unexplained Death Syndrome; Sudden Unexplained Nocturnal Death Syndrome (SUNDS). Identifiers: Orphanet 130, MedGen C1142166, MONDO:0015263.

Allele frequency attached by ClinVar (database versions not stated): gnomAD exomes 0.00001.

Submissions (2):

Labcorp Genetics (formerly Invitae), Labcorp
Classification: Uncertain significance for Brugada syndrome. Last evaluated: 2025-07-29. Review status: criteria provided, single submitter. Criteria: Invitae Variant Classification Sherloc (09022015). Collection method: clinical testing. Allele origin: germline.
Comment: This sequence change replaces arginine, which is basic and polar, with tryptophan, which is neutral and slightly polar, at codon 581 of the SLMAP protein (p.Arg581Trp). This variant is present in population databases (no rsID available, gnomAD 0.003%). This variant has not been reported in the literature in individuals affected with SLMAP-related conditions. ClinVar contains an entry for this variant (Variation ID: 1390760). An algorithm developed to predict the effect of missense changes on protein structure and function (PolyPhen-2) suggests that this variant is likely to be disruptive. In summary, the available evidence is currently insufficient to determine the role of this variant in disease. Therefore, it has been classified as a Variant of Uncertain Significance.

Ambry Genetics
Classification: Uncertain significance. Last evaluated: 2023-11-11. Review status: criteria provided, single submitter. Criteria: Ambry Variant Classification Scheme 2023. Collection method: clinical testing. Allele origin: germline.
Comment: The p.R581W variant (also known as c.1741C>T), located in coding exon 17 of the SLMAP gene, results from a C to T substitution at nucleotide position 1741. The arginine at codon 581 is replaced by tryptophan, an amino acid with dissimilar properties. This amino acid position is conserved. In addition, the in silico prediction for this alteration is inconclusive. Since supporting evidence is limited at this time, the clinical significance of this alteration remains unclear.

NM_001377540.1(SLMAP):c.1843C>T (p.Arg615Trp)

Gene: SLMAP (sarcolemma associated protein; plus strand). Cytogenetic location: 3p14.3.
Variant type: single nucleotide variant.
Coding change: c.1843C>T on transcript NM_001377540.1 (MANE Select); coding-DNA position 1843, C replaced by T.
Protein change: p.Arg615Trp; replaces arginine 615 with tryptophan.
Molecular consequence: missense variant. On other transcripts: non-coding transcript variant (1).
Genome position (GRCh38, 1-based): chr3:57,912,524, C>T. VCF-style: chr3-57912524-C-T. GRCh37 (hg19) VCF-style: chr3-57898251-C-T.
Other names: c.1792C>T, p.Arg598Trp (NM_001304420.3, NM_001377541.1, NM_001377542.1); c.1741C>T (NM_007159.2); c.1678C>T, p.Arg560Trp (NM_001304421.2, NM_001377557.1, NM_001377559.1); c.394C>T, p.Arg132Trp (NM_001304422.3, NM_001311178.2); c.196C>T, p.Arg66Trp (NM_001304423.3); c.271C>T, p.Arg91Trp (NM_001311179.2, NM_001377926.1, NM_001377927.1 and 1 more transcripts); c.1864C>T, p.Arg622Trp (NM_001377538.1); c.1843C>T, p.Arg615Trp (NM_001377539.1); and 9 more; short protein forms R557W, R581W, R594W, R598W, R66W, R91W, R132W, R536W.
Identifiers: ClinVar variation 1390760 (VCV001390760.9), dbSNP rs1379169914, ClinGen allele CA353408511.